The following is an entry in ClinVar:

NM_001458.5(FLNC):c.7207T>C (p.Ser2403Pro)

Genes: FLNC (filamin C; plus strand), FLNC-AS1 (FLNC antisense RNA 1; minus strand). Cytogenetic location: 7q32.1.
Variant type: single nucleotide variant.
Coding change: c.7207T>C on transcript NM_001458.5 (MANE Select); coding-DNA position 7207, T replaced by C.
Protein change: p.Ser2403Pro; replaces serine 2403 with proline.
Molecular consequence: missense variant.
Genome position (GRCh38, 1-based): chr7:128,855,270, T>C. VCF-style: chr7-128855270-T-C. GRCh37 (hg19) VCF-style: chr7-128495324-T-C.
Other names: c.7108T>C, p.Ser2370Pro (NM_001127487.2); short protein forms S2370P, S2403P.
Identifiers: ClinVar variation 1958265 (VCV001958265.6), dbSNP rs2536667344, ClinGen allele CA369215864.
Genomic context (GRCh38, chr7:128,855,270, plus strand): 5'-GTCTCCATCAAGTTCAATGATGAGCACATCCCAGACAGCCCCTTTGTGGTGCCTGTGGCC[T>C]CCCTCTCGGATGACGCTCGCCGTCTCACTGTCACCAGCCTCCAGGTTTGTGCCCAGGGTG-3'
Protein context (NP_001449.3, residues 2393-2413): PDSPFVVPVA[Ser2403Pro]LSDDARRLTV

ClinVar aggregate classification (germline): Uncertain significance. Review status: criteria provided, multiple submitters, no conflicts (2 of 4 stars). 2 submissions from 2 submitters: Uncertain significance (2). Last evaluated 2024-12-12.

Conditions:
Hypertrophic cardiomyopathy 26. Also called: Cardiomyopathy, familial hypertrophic, 26. Identifiers: Orphanet 75249, MedGen C4310749, MONDO:0014883, OMIM 617047.
Myofibrillar myopathy 5. Also called: Filaminopathy (type); FILAMINOPATHY, AUTOSOMAL DOMINANT. Identifiers: Orphanet 171445, MedGen C1836050, MONDO:0012289, OMIM 609524.
Distal myopathy with posterior leg and anterior hand involvement. Also called: WILLIAMS DISTAL MYOPATHY. Identifiers: Orphanet 63273, MedGen C3279722, MONDO:0013550, OMIM 614065.

Submissions (2):

Labcorp Genetics (formerly Invitae), Labcorp
Classification: Uncertain significance for Distal myopathy with posterior leg and anterior hand involvement; Myofibrillar myopathy 5; Hypertrophic cardiomyopathy 26. Last evaluated: 2024-12-12. Review status: criteria provided, single submitter. Criteria: Invitae Variant Classification Sherloc (09022015). Collection method: clinical testing. Allele origin: germline.
Comment: This sequence change replaces serine, which is neutral and polar, with proline, which is neutral and non-polar, at codon 2403 of the FLNC protein (p.Ser2403Pro). This variant is not present in population databases (gnomAD no frequency). This variant has not been reported in the literature in individuals affected with FLNC-related conditions. ClinVar contains an entry for this variant (Variation ID: 1958265). An algorithm developed to predict the effect of missense changes on protein structure and function (PolyPhen-2) suggests that this variant is likely to be tolerated. In summary, the available evidence is currently insufficient to determine the role of this variant in disease. Therefore, it has been classified as a Variant of Uncertain Significance.

Blueprint Genetics
Classification: Uncertain significance. Last evaluated: 2019-04-15. Review status: criteria provided, single submitter. Criteria: ACMG Guidelines, 2015. Collection method: clinical testing. Allele origin: germline.